The following is an entry in ClinVar:

NM_000138.5(FBN1):c.392A>G (p.Asp131Gly)

Gene: FBN1 (fibrillin 1; minus strand). Cytogenetic location: 15q21.1.
Variant type: single nucleotide variant.
Coding change: c.392A>G on transcript NM_000138.5 (MANE Select); coding-DNA position 392, A replaced by G.
Protein change: p.Asp131Gly; replaces aspartic acid 131 with glycine.
Molecular consequence: missense variant.
Genome position (GRCh38, 1-based): chr15:48,600,189, T>C on the plus strand (A>G on the coding strand, the complement: FBN1 is on the minus strand). VCF-style: chr15-48600189-T-C. GRCh37 (hg19) VCF-style: chr15-48892386-T-C.
Other names: short protein forms D131G.
Identifiers: ClinVar variation 1434859 (VCV001434859.8), dbSNP rs1655998227, ClinGen allele CA392446542.

ClinVar aggregate classification (germline): Uncertain significance. Review status: criteria provided, multiple submitters, no conflicts (2 of 4 stars). 3 submissions from 3 submitters: Uncertain significance (3). Last evaluated 2025-02-10.

Conditions:
Familial thoracic aortic aneurysm and aortic dissection (TAAD). Also called: Thoracic aortic aneurysms and dissections. Identifiers: Orphanet 91387, MedGen C4707243, MONDO:0019625.
Marfan syndrome (MFS). Also called: MARFAN SYNDROME, TYPE I; Marfan syndrome type 1; Marfan's syndrome; Marfan syndrome, classic; FBN1-Related Marfan Syndrome. Identifiers: Orphanet 284963, Orphanet 558, MedGen C0024796, MONDO:0007947, OMIM 154700.

Allele frequency attached by ClinVar (database versions not stated): gnomAD exomes below 0.00001; gnomAD 0.00001.
gnomAD v4.1: 2 of 1,613,954 alleles (0.00012%); highest among the groups gnomAD compares: South Asian, 0.0011%; no homozygotes.

Submissions (3):

Color Diagnostics, LLC DBA Color Health
Classification: Uncertain significance for Familial thoracic aortic aneurysm and aortic dissection. Last evaluated: 2025-02-10. Review status: criteria provided, single submitter. Criteria: ACMG Guidelines, 2015. Collection method: clinical testing. Allele origin: germline.
Comment: This missense variant replaces aspartic acid with glycine at codon 131 of the FBN1 protein. Computational prediction suggests that this variant may not impact protein structure and function. To our knowledge, functional studies have not been reported for this variant. This variant has not been reported in individuals affected with FBN1-related disorders in the literature. This variant has not been identified in the general population by the Genome Aggregation Database (gnomAD). The available evidence is insufficient to determine the role of this variant in disease conclusively. Therefore, this variant is classified as a Variant of Uncertain Significance.

All of Us Research Program, National Institutes of Health
Classification: Uncertain significance for Marfan syndrome. Last evaluated: 2023-06-26. Review status: criteria provided, single submitter. Criteria: ACMG Guidelines, 2015. Collection method: clinical testing. Allele origin: germline. Inheritance: Autosomal dominant inheritance. Observed: 1 variant allele, 1 heterozygote.
Comment: This missense variant replaces aspartic acid with glycine at codon 131 of the FBN1 protein. Computational prediction suggests that this variant may not impact protein structure and function (internally defined REVEL score threshold <= 0.5, PMID: 27666373). To our knowledge, functional studies have not been reported for this variant. This variant has not been reported in individuals affected with FBN1-related disorders in the literature. This variant has not been identified in the general population by the Genome Aggregation Database (gnomAD). The available evidence is insufficient to determine the role of this variant in disease conclusively. Therefore, this variant is classified as a Variant of Uncertain Significance.

This study involves interpretation of variants in research participants for the purpose of population health screening. Participant phenotype was not available at the time of variant classification. Additional details can be found in publication PMID: 35346344, PMCID: PMC8962531

Labcorp Genetics (formerly Invitae), Labcorp
Classification: Uncertain significance for Marfan syndrome; Familial thoracic aortic aneurysm and aortic dissection. Last evaluated: 2022-08-22. Review status: criteria provided, single submitter. Criteria: Invitae Variant Classification Sherloc (09022015). Collection method: clinical testing. Allele origin: germline.
Comment: This variant is not present in population databases (gnomAD no frequency). This sequence change replaces aspartic acid, which is acidic and polar, with glycine, which is neutral and non-polar, at codon 131 of the FBN1 protein (p.Asp131Gly). This variant has not been reported in the literature in individuals affected with FBN1-related conditions. In summary, the available evidence is currently insufficient to determine the role of this variant in disease. Therefore, it has been classified as a Variant of Uncertain Significance. Algorithms developed to predict the effect of missense changes on protein structure and function (SIFT, PolyPhen-2, Align-GVGD) all suggest that this variant is likely to be tolerated. ClinVar contains an entry for this variant (Variation ID: 1434859).